The following is an entry in ClinVar:

ClinVar aggregate classification (germline): Benign. Review status: criteria provided, multiple submitters, no conflicts (2 of 4 stars). 2 submissions from 2 submitters: Benign (2). Last evaluated 2018-06-14.

Allele frequency attached by ClinVar (database versions not stated): 1000 Genomes Project 30x 0.46112; 1000 Genomes Project 0.46146; TOPMed 0.53863; gnomAD 0.55312 and 0.55684; gnomAD exomes 0.60810.
gnomAD v4.1: 308,686 of 520,840 alleles (59%); highest among the groups gnomAD compares: Middle Eastern, 69%; 94,536 homozygotes.

Submissions (2):

GeneDx
Classification: Benign. Last evaluated: 2018-06-14. Review status: criteria provided, single submitter. Criteria: GeneDx Variant Classification (06012015). Collection method: clinical testing. Allele origin: germline. Affected: yes.
Comment: This variant is considered likely benign or benign based on one or more of the following criteria: it is a conservative change, it occurs at a poorly conserved position in the protein, it is predicted to be benign by multiple in silico algorithms, and/or has population frequency not consistent with disease.

Breakthrough Genomics
Classification: Benign. Review status: criteria provided, single submitter. Criteria: ACMG Guidelines, 2015. Collection method: not provided. Allele origin: germline. Inheritance: Autosomal recessive inheritance. Affected: yes.

NM_005506.4(SCARB2):c.-174C>T

Gene: SCARB2 (scavenger receptor class B member 2; minus strand). Cytogenetic location: 4q21.1.
Variant type: single nucleotide variant.
Coding change: c.-174C>T on transcript NM_005506.4 (MANE Select); 174 bases upstream of the start codon, C replaced by T.
Molecular consequence: 5 prime UTR variant.
Genome position (GRCh38, 1-based): chr4:76,213,717, G>A on the plus strand (C>T on the coding strand, the complement: SCARB2 is on the minus strand). VCF-style: chr4-76213717-G-A. GRCh37 (hg19) VCF-style: chr4-77134870-G-A.
Other names: c.-174C>T (NM_001204255.2).
Identifiers: ClinVar variation 670734 (VCV000670734.2), dbSNP rs1465922, ClinGen allele CA11691475.